The following is an entry in ClinVar:

ClinVar aggregate classification (germline): Benign/Likely benign. Review status: criteria provided, multiple submitters, no conflicts (2 of 4 stars). 3 submissions from 3 submitters: Benign (1); Likely benign (2). Last evaluated 2023-03-01.

Allele frequency attached by ClinVar (database versions not stated): TOPMed 0.00567; gnomAD 0.00763 and 0.00785; 1000 Genomes Project 30x 0.00312; 1000 Genomes Project 0.00339; ESP Exome Variant Server 0.00790.

Submissions (3):

CeGaT Center for Human Genetics Tuebingen
Classification: Benign. Last evaluated: 2023-03-01. Review status: criteria provided, single submitter. Criteria: CeGaT Center For Human Genetics Tuebingen Variant Classification Criteria Version 2. Collection method: clinical testing. Allele origin: germline. Affected: yes. Observed: 4 variant alleles.
Comment: PSAP: BS1, BS2

GeneDx
Classification: Likely benign. Last evaluated: 2019-06-12. Review status: criteria provided, single submitter. Criteria: GeneDx Variant Classification Process June 2021. Collection method: clinical testing. Allele origin: germline. Affected: yes.
Comment: See Variant Classification Assertion Criteria.

Breakthrough Genomics
Classification: Likely benign. Review status: criteria provided, single submitter. Criteria: ACMG Guidelines, 2015. Collection method: not provided. Allele origin: germline. Inheritance: Autosomal recessive inheritance. Affected: yes.

NC_000010.11:g.71851286G>A

Gene: PSAP (prosaposin; minus strand). Cytogenetic location: 10q22.1.
Variant type: single nucleotide variant.
Genome position: GRCh38 VCF-style: chr10-71851286-G-A. GRCh37 (hg19) VCF-style: chr10-73611043-G-A.
Identifiers: ClinVar variation 300546 (VCV000300546.34), dbSNP rs145948209, ClinGen allele CA10628878.